The following is an entry in ClinVar:

NM_000277.3(PAH):c.44T>G (p.Leu15Arg)

Gene: PAH (phenylalanine hydroxylase; minus strand). Cytogenetic location: 12q23.2.
Variant type: single nucleotide variant.
Coding change: c.44T>G on transcript NM_000277.3 (MANE Select); coding-DNA position 44, T replaced by G.
Protein change: p.Leu15Arg; replaces leucine 15 with arginine.
Molecular consequence: missense variant.
Genome position (GRCh38, 1-based): chr12:102,917,087, A>C on the plus strand (T>G on the coding strand, the complement: PAH is on the minus strand). VCF-style: chr12-102917087-A-C. GRCh37 (hg19) VCF-style: chr12-103310865-A-C.
Other names: c.44T>G, p.Leu15Arg (NM_001354304.2); short protein forms L15R.
Identifiers: ClinVar variation 2017036 (VCV002017036.4), dbSNP rs1319374413, ClinGen allele CA386303820.

ClinVar aggregate classification (germline): Uncertain significance (1 of 4 stars; one submission).

Conditions:
Phenylketonuria (PKU). Also called: FOLLING DISEASE; Phenylketonurias; Phenylketonuria (PKU); OLIGOPHRENIA PHENYLPYRUVICA. Identifiers: Orphanet 716, MedGen C0031485, MONDO:0009861, OMIM 261600. Disease mechanism: loss of function.

Submission:

Labcorp Genetics (formerly Invitae), Labcorp
Classification: Uncertain significance for Phenylketonuria. Last evaluated: 2022-07-19. Review status: criteria provided, single submitter. Criteria: Invitae Variant Classification Sherloc (09022015). Collection method: clinical testing. Allele origin: germline.
Comment: In summary, the available evidence is currently insufficient to determine the role of this variant in disease. Therefore, it has been classified as a Variant of Uncertain Significance. Advanced modeling of protein sequence and biophysical properties (such as structural, functional, and spatial information, amino acid conservation, physicochemical variation, residue mobility, and thermodynamic stability) performed at Invitae indicates that this missense variant is not expected to disrupt PAH protein function. This variant has not been reported in the literature in individuals affected with PAH-related conditions. This variant is not present in population databases (gnomAD no frequency). This sequence change replaces leucine, which is neutral and non-polar, with arginine, which is basic and polar, at codon 15 of the PAH protein (p.Leu15Arg).